The following is an entry in ClinVar:

NM_018429.3(BDP1):c.6370A>G (p.Ser2124Gly)

Gene: BDP1 (BDP1 general transcription factor IIIB subunit; plus strand). Cytogenetic location: 5q13.2.
Variant type: single nucleotide variant.
Coding change: c.6370A>G on transcript NM_018429.3 (MANE Select); coding-DNA position 6370, A replaced by G.
Protein change: p.Ser2124Gly; replaces serine 2124 with glycine.
Molecular consequence: missense variant.
Genome position (GRCh38, 1-based): chr5:71,542,223, A>G. VCF-style: chr5-71542223-A-G. GRCh37 (hg19) VCF-style: chr5-70838050-A-G.
Other names: short protein forms S2124G.
Identifiers: ClinVar variation 1316321 (VCV001316321.4), dbSNP rs200080464, ClinGen allele CA3297209.

ClinVar aggregate classification (germline): Likely benign. Review status: criteria provided, single submitter (1 of 4 stars). 2 submissions from 2 submitters: Likely benign (1). 1 of the submissions does not count toward it. Last evaluated 2018-11-14.

Conditions:
BDP1-related disorder. Also called: BDP1-related condition.

Allele frequency attached by ClinVar (database versions not stated): gnomAD exomes 0.00006 and 0.00015; 1000 Genomes Project 30x 0.00016; 1000 Genomes Project 0.00020; ExAC 0.00020; gnomAD 0.00059 and 0.00066; ESP Exome Variant Server 0.00068; TOPMed 0.00082.
gnomAD v4.1: 196 of 1,613,424 alleles (0.012%); highest among the groups gnomAD compares: African/African-American, 0.22%; no homozygotes.

Submissions (2):

GeneDx
Classification: Likely benign. Last evaluated: 2018-11-14. Review status: criteria provided, single submitter. Criteria: GeneDx Variant Classification Process June 2021. Collection method: clinical testing. Allele origin: germline. Affected: yes.

PreventionGenetics, part of Exact Sciences
Classification: Likely benign for BDP1-related condition. Last evaluated: 2023-05-10. Review status: no assertion criteria provided. Collection method: clinical testing. Allele origin: germline. Not counted in ClinVar's aggregate classification.
Comment: This variant is classified as likely benign based on ACMG/AMP sequence variant interpretation guidelines (Richards et al. 2015 PMID: 25741868, with internal and published modifications).